The following is an entry in ClinVar:

ClinVar aggregate classification (germline): Pathogenic. Review status: criteria provided, multiple submitters, no conflicts (2 of 4 stars). 2 submissions from 2 submitters: Pathogenic (2). Last evaluated 2022-12-19.

Conditions:
CUX1-related disorders.
Global developmental delay with or without impaired intellectual development. Identifiers: MedGen C5193032, MONDO:0032680, OMIM 618330.

Submissions (2):

Institute of Human Genetics, University of Leipzig Medical Center
Classification: Pathogenic for Global developmental delay with or without impaired intellectual development. Last evaluated: 2022-12-19. Review status: criteria provided, single submitter. Criteria: ACMG Guidelines, 2015. Collection method: clinical testing. Allele origin: de novo. Affected: yes.
Comment: Criteria applied: PVS1, PS2_Moderate, PM2_Supporting

Blueprint Genetics
Classification: Pathogenic for CUX1-related disorders. Last evaluated: 2019-11-08. Review status: criteria provided, single submitter. Criteria: ACMG Guidelines, 2015. Collection method: clinical testing. Allele origin: germline. Affected: yes. Observed: 1 variant allele.

NM_181552.4(CUX1):c.3563G>A (p.Trp1188Ter)

Gene: CUX1 (cut like homeobox 1; plus strand). Cytogenetic location: 7q22.1.
Variant type: single nucleotide variant.
Coding change: c.3563G>A on transcript NM_181552.4 (MANE Select); coding-DNA position 3563, G replaced by A.
Protein change: p.Trp1188Ter; replaces tryptophan 1188 with a stop codon.
Molecular consequence: nonsense. On other transcripts: intron variant (5).
Genome position (GRCh38, 1-based): chr7:102,234,181, G>A. VCF-style: chr7-102234181-G-A. GRCh37 (hg19) VCF-style: chr7-101877461-G-A.
Other names: c.3596G>A, p.Trp1199Ter (NM_001202543.2); c.1255+38578G>A (NM_001913.5); c.1249+38578G>A (NM_181500.4); c.1117+38578G>A (NM_001202545.3); c.1207+38578G>A (NM_001202544.3); c.1138+38578G>A (NM_001202546.3); short protein forms W1188*, W1199*.
Identifiers: ClinVar variation 1803932 (VCV001803932.2), dbSNP rs2486093998, ClinGen allele CA368698079.